The following is an entry in ClinVar:

ClinVar aggregate classification (germline): Benign. Review status: criteria provided, single submitter (1 of 4 stars). 2 submissions from 2 submitters: Benign (1). 1 of the submissions does not count toward it. Last evaluated 2019-12-31.

Conditions:
SLC24A4-related disorder. Also called: SLC24A4-related condition.

Allele frequency attached by ClinVar (database versions not stated): 1000 Genomes Project 30x 0.00031; 1000 Genomes Project 0.00040; gnomAD 0.00108 and 0.00120; TOPMed 0.00122; ESP Exome Variant Server 0.00138.
gnomAD v4.1: 293 of 1,614,152 alleles (0.018%); highest among the groups gnomAD compares: African/African-American, 0.37%; no homozygotes.

Submissions (2):

Labcorp Genetics (formerly Invitae), Labcorp
Classification: Benign. Last evaluated: 2019-12-31. Review status: criteria provided, single submitter. Criteria: Invitae Variant Classification Sherloc (09022015). Collection method: clinical testing. Allele origin: germline.

PreventionGenetics, part of Exact Sciences
Classification: Likely benign for SLC24A4-related condition. Last evaluated: 2019-04-04. Review status: no assertion criteria provided. Collection method: clinical testing. Allele origin: germline. Not counted in ClinVar's aggregate classification.
Comment: This variant is classified as likely benign based on ACMG/AMP sequence variant interpretation guidelines (Richards et al. 2015 PMID: 25741868, with internal and published modifications).

NM_153646.4(SLC24A4):c.1671G>T (p.Gly557=)

Gene: SLC24A4 (solute carrier family 24 member 4; plus strand). Cytogenetic location: 14q32.12.
Variant type: single nucleotide variant.
Coding change: c.1671G>T on transcript NM_153646.4 (MANE Select); coding-DNA position 1671, G replaced by T.
Protein change: p.Gly557=; no amino-acid change (glycine 557 retained).
Molecular consequence: synonymous variant.
Genome position (GRCh38, 1-based): chr14:92,492,195, G>T. VCF-style: chr14-92492195-G-T. GRCh37 (hg19) VCF-style: chr14-92958539-G-T.
Other names: c.1671G>T, p.Gly557= (NM_001378620.1); c.1614G>T, p.Gly538= (NM_153647.4); c.1479G>T, p.Gly493= (NM_153648.4).
Identifiers: ClinVar variation 789818 (VCV000789818.6), dbSNP rs141392743, ClinGen allele CA7316220.